The following is an entry in ClinVar:

ClinVar aggregate classification (germline): Uncertain significance (1 of 4 stars; one submission).

Conditions:
Atrial fibrillation, familial, 7 (ATFB7). Identifiers: MedGen C2677106, MONDO:0012828, OMIM 612240.

Submission:

Labcorp Genetics (formerly Invitae), Labcorp
Classification: Uncertain significance for Atrial fibrillation, familial, 7. Last evaluated: 2025-12-09. Review status: criteria provided, single submitter. Criteria: Invitae Variant Classification Sherloc (09022015). Collection method: clinical testing. Allele origin: germline.
Comment: This sequence change replaces proline, which is neutral and non-polar, with leucine, which is neutral and non-polar, at codon 91 of the KCNA5 protein (p.Pro91Leu). This variant is present in population databases (no rsID available, gnomAD 0.001%). This missense change has been observed in individual(s) with clinical features of KCNA5-related conditions (PMID: 17266934). An algorithm developed to predict the effect of missense changes on protein structure and function outputs the following: PolyPhen-2: "Benign". The leucine amino acid residue is found in multiple mammalian species, which suggests that this missense change does not adversely affect protein function. Experimental studies have shown that this missense change does not substantially affect KCNA5 function (PMID: 17266934). In summary, the available evidence is currently insufficient to determine the role of this variant in disease. Therefore, it has been classified as a Variant of Uncertain Significance.

Literature cited by the submitters: PubMed 17266934.

NM_002234.4(KCNA5):c.272C>T (p.Pro91Leu)

Gene: KCNA5 (potassium voltage-gated channel subfamily A member 5; plus strand). Cytogenetic location: 12p13.32.
Variant type: single nucleotide variant.
Coding change: c.272C>T on transcript NM_002234.4 (MANE Select); coding-DNA position 272, C replaced by T.
Protein change: p.Pro91Leu; replaces proline 91 with leucine.
Molecular consequence: missense variant.
Genome position (GRCh38, 1-based): chr12:5,044,419, C>T. VCF-style: chr12-5044419-C-T. GRCh37 (hg19) VCF-style: chr12-5153585-C-T.
Other names: short protein forms P91L.
Identifiers: ClinVar variation 4709912 (VCV004709912.1).